The following is an entry in ClinVar:

ClinVar aggregate classification (germline): Benign (1 of 4 stars; one submission).

Conditions:
Mucopolysaccharidosis, MPS-III-C (MPS3C). Also called: mucopolysaccharidosis type 3C; MUCOPOLYSACCHARIDOSIS, TYPE IIIC; SANFILIPPO SYNDROME C; MPS III C; Mucopolysaccharidosis type IIIC (Sanfilippo C); MPS IIIC (Sanfilippo Syndrome Type C). Identifiers: Orphanet 581, Orphanet 79271, MedGen C0086649, MONDO:0009657, OMIM 252930.

Allele frequency attached by ClinVar (database versions not stated): TOPMed 0.00613; 1000 Genomes Project 0.00719; 1000 Genomes Project 30x 0.00625.

Submission:

Illumina Laboratory Services, Illumina
Classification: Benign for Mucopolysaccharidosis, MPS-III-C. Last evaluated: 2017-04-27. Review status: criteria provided, single submitter. Criteria: ICSL Variant Classification Criteria 13 December 2019. Collection method: clinical testing. Allele origin: germline.
Comment: This variant was observed as part of a predisposition screen in an ostensibly healthy population. A literature search was performed for the gene, cDNA change, and amino acid change (where applicable). No publications were found based on this search. Allele frequency data from public databases was too high to be consistent with this variant causing disease. Therefore, this variant is classified as benign.

NM_152419.3(HGSNAT):c.*2755C>T

Gene: HGSNAT (heparan-alpha-glucosaminide N-acetyltransferase; plus strand). Cytogenetic location: 8p11.1.
Variant type: single nucleotide variant.
Coding change: c.*2755C>T on transcript NM_152419.3 (MANE Select); 2755 bases downstream of the stop codon, C replaced by T.
Molecular consequence: 3 prime UTR variant.
Genome position (GRCh38, 1-based): chr8:43,202,324, C>T. VCF-style: chr8-43202324-C-T. GRCh37 (hg19) VCF-style: chr8-43057467-C-T.
Other names: c.*2755C>T (NM_001363227.2, NM_001363228.2, NM_001363229.2).
Identifiers: ClinVar variation 911831 (VCV000911831.4), dbSNP rs76686222, ClinGen allele CA12861843.